The following is an entry in ClinVar:

NM_152703.5(SAMD9L):c.864G>C (p.Arg288Ser)

Gene: SAMD9L (sterile alpha motif domain containing 9 like; minus strand). Cytogenetic location: 7q21.2.
Variant type: single nucleotide variant.
Coding change: c.864G>C on transcript NM_152703.5 (MANE Select); coding-DNA position 864, G replaced by C.
Protein change: p.Arg288Ser; replaces arginine 288 with serine.
Molecular consequence: missense variant.
Genome position (GRCh38, 1-based): chr7:93,135,108, C>G on the plus strand (G>C on the coding strand, the complement: SAMD9L is on the minus strand). VCF-style: chr7-93135108-C-G. GRCh37 (hg19) VCF-style: chr7-92764421-C-G.
Other names: c.864G>C, p.Arg288Ser (NM_001303496.3, NM_001303497.3, NM_001303498.3 and 5 more transcripts); short protein forms R288S.
Identifiers: ClinVar variation 3437205 (VCV003437205.1).

ClinVar aggregate classification (germline): Uncertain significance (1 of 4 stars; one submission).

Conditions:
Inborn genetic diseases. Identifiers: MedGen C0950123, MeSH D030342.

Submission:

Ambry Genetics
Classification: Uncertain significance for Inborn genetic diseases. Last evaluated: 2024-11-30. Review status: criteria provided, single submitter. Criteria: Ambry Variant Classification Scheme 2023. Collection method: clinical testing. Allele origin: germline.
Comment: The p.R288S variant (also known as c.864G>C), located in coding exon 1 of the SAMD9L gene, results from a G to C substitution at nucleotide position 864. The arginine at codon 288 is replaced by serine, an amino acid with dissimilar properties. This amino acid position is conserved. In addition, the in silico prediction for this alteration is inconclusive. Based on the available evidence, the clinical significance of this variant remains unclear.